The following is an entry in ClinVar:

ClinVar aggregate classification (germline): Uncertain significance (1 of 4 stars; one submission).

Submission:

GeneDx
Classification: Uncertain significance. Last evaluated: 2024-11-20. Review status: criteria provided, single submitter. Criteria: GeneDx Variant Classification Process June 2021. Collection method: clinical testing. Allele origin: germline. Affected: yes.
Comment: Not observed at significant frequency in large population cohorts (gnomAD); In silico analysis supports that this missense variant has a deleterious effect on protein structure/function; In silico analysis supports a deleterious effect on splicing; Has not been previously published as pathogenic or benign to our knowledge

NM_004380.3(CREBBP):c.1817A>G (p.His606Arg)

Gene: CREBBP (CREB binding lysine acetyltransferase; minus strand). Cytogenetic location: 16p13.3.
Variant type: single nucleotide variant.
Coding change: c.1817A>G on transcript NM_004380.3 (MANE Select); coding-DNA position 1817, A replaced by G.
Protein change: p.His606Arg; replaces histidine 606 with arginine.
Molecular consequence: missense variant.
Genome position (GRCh38, 1-based): chr16:3,780,738, T>C on the plus strand (A>G on the coding strand, the complement: CREBBP is on the minus strand). VCF-style: chr16-3780738-T-C. GRCh37 (hg19) VCF-style: chr16-3830739-T-C.
Other names: c.1703A>G, p.His568Arg (NM_001079846.1); short protein forms H568R, H606R.
Identifiers: ClinVar variation 3900577 (VCV003900577.1).